The following is an entry in ClinVar:

ClinVar aggregate classification (germline): Pathogenic (1 of 4 stars; one submission).

Conditions:
Baller-Gerold syndrome (BGS). Also called: CRANIOSYNOSTOSIS WITH RADIAL DEFECTS. Identifiers: Orphanet 1225, MedGen C0265308, MONDO:0009039, OMIM 218600.

Submission:

Labcorp Genetics (formerly Invitae), Labcorp
Classification: Pathogenic for Baller-Gerold syndrome. Last evaluated: 2021-09-26. Review status: criteria provided, single submitter. Criteria: Invitae Variant Classification Sherloc (09022015). Collection method: clinical testing. Allele origin: germline.
Comment: For these reasons, this variant has been classified as Pathogenic. This variant has not been reported in the literature in individuals affected with RECQL4-related conditions. This variant is not present in population databases (ExAC no frequency). This sequence change creates a premature translational stop signal (p.Gly283Glufs*12) in the RECQL4 gene. It is expected to result in an absent or disrupted protein product. Loss-of-function variants in RECQL4 are known to be pathogenic (PMID: 12734318, 12952869).

Literature cited by the submitters: PubMed 12734318; PubMed 12952869.

NM_004260.4(RECQL4):c.843_847dup (p.Gly283fs)

Gene: RECQL4 (RecQ like helicase 4; minus strand). Cytogenetic location: 8q24.3.
Variant type: Duplication.
Coding change: c.843_847dup on transcript NM_004260.4 (MANE Select); coding-DNA positions 843 to 847, 5 bases duplicated (AGCTG; older notation c.843_847dupAGCTG).
Protein change: p.Gly283fs; shifts the reading frame from glycine 283.
Molecular consequence: frameshift variant.
Genome position (GRCh38, 1-based): chr8:144,516,272-144,516,276, CAGCT duplicated on the plus strand (AGCTG on the coding strand, the reverse complement: RECQL4 is on the minus strand). VCF-style (leftmost placement, unchanged base first): chr8-144516271-C-CCAGCT. GRCh37 (hg19) VCF-style: chr8-145741655-C-CCAGCT.
Other names: short protein forms G283fs.
Identifiers: ClinVar variation 1445658 (VCV001445658.6), dbSNP rs2130721433, ClinGen allele CA2573142940.